The following is an entry in ClinVar:

NM_003803.4(MYOM1):c.358A>C (p.Lys120Gln)

Gene: MYOM1 (myomesin 1; minus strand). Cytogenetic location: 18p11.31.
Variant type: single nucleotide variant.
Coding change: c.358A>C on transcript NM_003803.4 (MANE Select); coding-DNA position 358, A replaced by C.
Protein change: p.Lys120Gln; replaces lysine 120 with glutamine.
Molecular consequence: missense variant.
Genome position (GRCh38, 1-based): chr18:3,193,891, T>G on the plus strand (A>C on the coding strand, the complement: MYOM1 is on the minus strand). VCF-style: chr18-3193891-T-G. GRCh37 (hg19) VCF-style: chr18-3193889-T-G.
Other names: c.358A>C, p.Lys120Gln (NM_019856.2); short protein forms K120Q.
Identifiers: ClinVar variation 3223562 (VCV003223562.1), dbSNP rs2510726589, ClinGen allele CA401717291.
Genomic context (GRCh38, chr18:3,193,891, plus strand): 5'-TGGGTACCATGTAGTCACTGGGCAAATTTTCTTTCTCTTCTCCAGACAGTAGGCTGTGCT[T>G]GGCTCTCTTTGGTTTGGGGCTCAACTTGGATGAATAATCATCTAACAGCAGACTGGAATC-3'
Protein context (NP_003794.3, residues 110-130): SKLSPKPKRA[Lys120Gln]HSLLSGEEKE

ClinVar aggregate classification (germline): Uncertain significance (1 of 4 stars; one submission).

Allele frequency attached by ClinVar (database versions not stated): gnomAD exomes below 0.00001.
gnomAD v4.1: 1 of 1,613,960 alleles (0.000062%); highest among the groups gnomAD compares: Non-Finnish European, 0.000085%; no homozygotes.

Submission:

Ambry Genetics
Classification: Uncertain significance. Last evaluated: 2024-02-26. Review status: criteria provided, single submitter. Criteria: Ambry Variant Classification Scheme 2023. Collection method: clinical testing. Allele origin: germline.
Comment: The p.K120Q variant (also known as c.358A>C), located in coding exon 2 of the MYOM1 gene, results from an A to C substitution at nucleotide position 358. The lysine at codon 120 is replaced by glutamine, an amino acid with similar properties. This amino acid position is conserved. In addition, this alteration is predicted to be tolerated by in silico analysis. Based on the available evidence, the clinical significance of this alteration remains unclear.